The following is an entry in ClinVar:

NM_133379.5(TTN):c.13241C>T (p.Ala4414Val)

Gene: TTN (titin; minus strand). Cytogenetic location: 2q31.2.
Variant type: single nucleotide variant.
Coding change: c.13241C>T on transcript NM_133379.5 (MANE Plus Clinical); coding-DNA position 13241, C replaced by T.
Protein change: p.Ala4414Val; replaces alanine 4414 with valine.
Molecular consequence: missense variant. On other transcripts: intron variant (6).
Genome position (GRCh38, 1-based): chr2:178,749,159, G>A on the plus strand (C>T on the coding strand, the complement: TTN is on the minus strand). VCF-style: chr2-178749159-G-A. GRCh37 (hg19) VCF-style: chr2-179613886-G-A.
Other names: c.10222+3965C>T (NM_003319.4); c.10798+3965C>T (NM_133437.4); c.10597+3965C>T (NM_133432.3); c.10360+3965C>T (NM_133378.4, NM_001256850.1); c.11311+3965C>T (NM_001267550.2); short protein forms A4414V.
Identifiers: ClinVar variation 192055 (VCV000192055.1), dbSNP rs201899491, ClinGen allele CA238199.

ClinVar aggregate classification (germline): Uncertain significance (1 of 4 stars; one submission).

Allele frequency attached by ClinVar (database versions not stated): gnomAD exomes below 0.00001.
gnomAD v4.1: 2 of 1,612,314 alleles (0.00012%); highest among the groups gnomAD compares: South Asian, 0.0011%; no homozygotes.

Submission:

Biesecker Lab/Clinical Genomics Section, National Institutes of Health
Classification: Uncertain significance. Last evaluated: 2013-06-24. Review status: criteria provided, single submitter. Criteria: Ng et al. (Circ Cardiovasc Genet. 2013). Collection method: research. Allele origin: unknown. Observed: 1 variant allele. Study: ClinSeq.
Comment: The study set was not selected for affection status in relation to any cancer. Pathogenicity categories were based on literature curation. See Pubmed ID:23861362 for details.

Medical sequencing